The following is an entry in ClinVar:

ClinVar aggregate classification (germline): Pathogenic/Likely pathogenic. Review status: criteria provided, multiple submitters, no conflicts (2 of 4 stars). 3 submissions from 3 submitters: Pathogenic (2); Likely pathogenic (1). Last evaluated 2025-05-21.

Conditions:
Autosomal recessive Alport syndrome (ATS2). Also called: Alport syndrome type 2; COL4A4 Alport Syndrome and Thin Basement Membrane Nephropathy; COL4A3-Related Nephropathy; ALPORT SYNDROME 2, AUTOSOMAL RECESSIVE. Identifiers: Orphanet 63, Orphanet 88919, MedGen C4746745, MONDO:0008762, OMIM 203780.
Hematuria, benign familial, 1 (BFH1). Also called: THIN MEMBRANE NEPHROPATHY. Identifiers: MedGen CN376803, MONDO:0007709, OMIM 141200.
Alport syndrome. Also called: Hemorrhagic familial nephritis; Hemorrhagic hereditary nephritis; Congenital hereditary hematuria. Identifiers: Orphanet 63, MedGen C1567741, MONDO:0018965.

Allele frequency attached by ClinVar (database versions not stated): gnomAD exomes below 0.00001.
gnomAD v4.1: 1 of 1,613,322 alleles (0.000062%); highest among the groups gnomAD compares: Non-Finnish European, 0.000085%; no homozygotes.

Submissions (3):

Labcorp Genetics (formerly Invitae), Labcorp
Classification: Pathogenic. Last evaluated: 2025-05-21. Review status: criteria provided, single submitter. Criteria: Invitae Variant Classification Sherloc (09022015). Collection method: clinical testing. Allele origin: germline.
Comment: This sequence change creates a premature translational stop signal (p.Tyr1462*) in the COL4A4 gene. It is expected to result in an absent or disrupted protein product. Loss-of-function variants in COL4A4 are known to be pathogenic (PMID: 21196518, 24854265, 25307543). This variant is not present in population databases (gnomAD no frequency). This variant has not been reported in the literature in individuals affected with COL4A4-related conditions. ClinVar contains an entry for this variant (Variation ID: 2808019). For these reasons, this variant has been classified as Pathogenic.

Myriad Genetics, Inc.
Classification: Pathogenic for Alport syndrome. Last evaluated: 2025-05-10. Review status: criteria provided, single submitter. Criteria: Myriad Autosomal Dominant, Autosomal Recessive and X-Linked Classification Criteria (2023). Collection method: clinical testing. Allele origin: unknown.
Comment: NM_000092.4(COL4A4):c.4386C>A(Y1462*) is expected to be pathogenic in the context of Alport syndrome, COL4A4-related. This variant is predicted to lead to an abnormal or absent protein product due to the creation of a premature termination codon in COL4A4, a gene where loss-of-function variants are known to be pathogenic. Please note: this variant was assessed in the context of healthy population screening.

Fulgent Genetics
Classification: Likely pathogenic for Hematuria, benign familial, 1; Autosomal recessive Alport syndrome. Last evaluated: 2024-05-09. Review status: criteria provided, single submitter. Criteria: ACMG Guidelines, 2015. Collection method: clinical testing. Allele origin: germline.

Literature cited by the submitters: PubMed 21196518 (cited by Labcorp Genetics (formerly Invitae), Labcorp); PubMed 24854265 (cited by Labcorp Genetics (formerly Invitae), Labcorp); PubMed 25307543 (cited by Labcorp Genetics (formerly Invitae), Labcorp).

NM_000092.5(COL4A4):c.4386C>A (p.Tyr1462Ter)

Gene: COL4A4 (collagen type IV alpha 4 chain; minus strand). Cytogenetic location: 2q36.3.
Variant type: single nucleotide variant.
Coding change: c.4386C>A on transcript NM_000092.5 (MANE Select); coding-DNA position 4386, C replaced by A.
Protein change: p.Tyr1462Ter; replaces tyrosine 1462 with a stop codon.
Molecular consequence: nonsense.
Genome position (GRCh38, 1-based): chr2:227,010,449, G>T on the plus strand (C>A on the coding strand, the complement: COL4A4 is on the minus strand). VCF-style: chr2-227010449-G-T. GRCh37 (hg19) VCF-style: chr2-227875165-G-T.
Other names: short protein forms Y1462*.
Identifiers: ClinVar variation 2808019 (VCV002808019.5), dbSNP rs2472680030, ClinGen allele CA350836258.